The following is an entry in ClinVar:

NM_001853.4(COL9A3):c.1828G>A (p.Gly610Arg)

Gene: COL9A3 (collagen type IX alpha 3 chain; plus strand). Cytogenetic location: 20q13.33.
Variant type: single nucleotide variant.
Coding change: c.1828G>A on transcript NM_001853.4 (MANE Select); coding-DNA position 1828, G replaced by A.
Protein change: p.Gly610Arg; replaces glycine 610 with arginine.
Molecular consequence: missense variant.
Genome position (GRCh38, 1-based): chr20:62,838,725, G>A. VCF-style: chr20-62838725-G-A. GRCh37 (hg19) VCF-style: chr20-61470077-G-A.
Other names: c.1828G>A (NM_001853.3); short protein forms G610R.
Identifiers: ClinVar variation 3013876 (VCV003013876.4), dbSNP rs1299898330, ClinGen allele CA409600156.
Genomic context (GRCh38, chr20:62,838,725, plus strand): 5'-TGTCCACACCTCGTGACAGGAAACCAGGGTGACAGAGGAGACAAAGGCGCGGCAGGAGCA[G>A]GGCTGGACGGGCCTGAAGGAGACCAGGGGCCCCAAGGTACGAGTCCACGGCCAGCAAGGC-3'
Protein context (NP_001844.3, residues 600-620): DRGDKGAAGA[Gly610Arg]LDGPEGDQGP

ClinVar aggregate classification (germline): Uncertain significance. Review status: criteria provided, multiple submitters, no conflicts (2 of 4 stars). 2 submissions from 2 submitters: Uncertain significance (2). Last evaluated 2025-11-03.

Conditions:
Inborn genetic diseases. Identifiers: MedGen C0950123, MeSH D030342.

Allele frequency attached by ClinVar (database versions not stated): TOPMed 0.00001; gnomAD exomes below 0.00001.
gnomAD v4.1: 1 of 1,552,458 alleles (0.000064%); highest among the groups gnomAD compares: East Asian, 0.0024%; no homozygotes.

Submissions (2):

Labcorp Genetics (formerly Invitae), Labcorp
Classification: Uncertain significance. Last evaluated: 2025-11-03. Review status: criteria provided, single submitter. Criteria: Invitae Variant Classification Sherloc (09022015). Collection method: clinical testing. Allele origin: germline.
Comment: This sequence change replaces glycine, which is neutral and non-polar, with arginine, which is basic and polar, at codon 610 of the COL9A3 protein (p.Gly610Arg). This variant is not present in population databases (gnomAD no frequency). This variant has not been reported in the literature in individuals affected with COL9A3-related conditions. ClinVar contains an entry for this variant (Variation ID: 3013876). Invitae Evidence Modeling of protein sequence and biophysical properties (such as structural, functional, and spatial information, amino acid conservation, physicochemical variation, residue mobility, and thermodynamic stability) indicates that this missense variant is expected to disrupt COL9A3 protein function with a positive predictive value of 95%. In summary, the available evidence is currently insufficient to determine the role of this variant in disease. Therefore, it has been classified as a Variant of Uncertain Significance.

Ambry Genetics
Classification: Uncertain significance for Inborn genetic diseases. Last evaluated: 2023-12-27. Review status: criteria provided, single submitter. Criteria: Ambry Variant Classification Scheme 2023. Collection method: clinical testing. Allele origin: germline.